The following is an entry in ClinVar:

ClinVar aggregate classification (germline): Uncertain significance (1 of 4 stars; one submission).

Conditions:
Long QT syndrome (LQTS). Identifiers: MedGen C0023976, MeSH D008133, MONDO:0002442. Disease mechanism: loss of function. Inheritance: Various modes of inheritance.

Submission:

Labcorp Genetics (formerly Invitae), Labcorp
Classification: Uncertain significance for Long QT syndrome. Last evaluated: 2022-02-05. Review status: criteria provided, single submitter. Criteria: Invitae Variant Classification Sherloc (09022015). Collection method: clinical testing. Allele origin: germline.
Comment: In summary, the available evidence is currently insufficient to determine the role of this variant in disease. Therefore, it has been classified as a Variant of Uncertain Significance. Experimental studies have shown that this missense change affects KCNH2 function (PMID: 22314138). Algorithms developed to predict the effect of missense changes on protein structure and function are either unavailable or do not agree on the potential impact of this missense change (SIFT: "Tolerated"; PolyPhen-2: "Possibly Damaging"; Align-GVGD: "Class C0"). ClinVar contains an entry for this variant (Variation ID: 1017667). This missense change has been observed in individual(s) with clinical features of long QT syndrome (PMID: 22314138). This variant is not present in population databases (gnomAD no frequency). This sequence change replaces arginine, which is basic and polar, with proline, which is neutral and non-polar, at codon 744 of the KCNH2 protein (p.Arg744Pro).

Literature cited by the submitters: PubMed 22314138.

NM_000238.4(KCNH2):c.2231G>C (p.Arg744Pro)

Gene: KCNH2 (potassium voltage-gated channel subfamily H member 2; minus strand). Cytogenetic location: 7q36.1.
Variant type: single nucleotide variant.
Coding change: c.2231G>C on transcript NM_000238.4 (MANE Select); coding-DNA position 2231, G replaced by C.
Protein change: p.Arg744Pro; replaces arginine 744 with proline.
Molecular consequence: missense variant.
Genome position (GRCh38, 1-based): chr7:150,950,335, C>G on the plus strand (G>C on the coding strand, the complement: KCNH2 is on the minus strand). VCF-style: chr7-150950335-C-G. GRCh37 (hg19) VCF-style: chr7-150647423-C-G.
Other names: c.1211G>C, p.Arg404Pro (NM_001204798.2, NM_172057.3); c.1943G>C, p.Arg648Pro (NM_001406753.1, NM_001406756.1); c.2054G>C, p.Arg685Pro (NM_001406755.1); c.1931G>C, p.Arg644Pro (NM_001406757.1); c.2231G>C, p.Arg744Pro (NM_172056.3); short protein forms R404P, R744P, R644P, R648P, R685P.
Identifiers: ClinVar variation 1017667 (VCV001017667.9), dbSNP rs1264176305, ClinGen allele CA369856513.